The following is an entry in ClinVar:

NM_014714.4(IFT140):c.3003G>A (p.Ala1001=)

Genes: IFT140 (intraflagellar transport 140; minus strand), LOC126862260 (CDK7 strongly-dependent group 2 enhancer GRCh37_chr16:1574508-1575707; plus strand). Cytogenetic location: 16p13.3.
Variant type: single nucleotide variant.
Coding change: c.3003G>A on transcript NM_014714.4 (MANE Select); coding-DNA position 3003, G replaced by A.
Protein change: p.Ala1001=; no amino-acid change (alanine 1001 retained).
Molecular consequence: synonymous variant.
Genome position (GRCh38, 1-based): chr16:1,524,690, C>T on the plus strand (G>A on the coding strand, the complement: IFT140 is on the minus strand). VCF-style: chr16-1524690-C-T. GRCh37 (hg19) VCF-style: chr16-1574691-C-T.
Other names: c.3003G>A (NM_014714.3).
Identifiers: ClinVar variation 1566519 (VCV001566519.9), dbSNP rs151293332, ClinGen allele CA7813363.

ClinVar aggregate classification (germline): Likely benign. Review status: criteria provided, multiple submitters, no conflicts (2 of 4 stars). 2 submissions from 2 submitters: Likely benign (2). Last evaluated 2026-05-31.

Conditions:
Saldino-Mainzer syndrome (SRTD9). Also called: SHORT-RIB THORACIC DYSPLASIA 9 WITHOUT POLYDACTYLY; Renal dysplasia, retinal pigmentary dystrophy, cerebellar ataxia and skeletal dysplasia; CONORENAL SYNDROME; short-rib thoracic dysplasia 9 with or without polydactyly. Identifiers: Orphanet 140969, MedGen C1849437, MONDO:0009964, OMIM 266920.
IFT140-related disorder. Also called: IFT140-related condition.

Allele frequency attached by ClinVar (database versions not stated): 1000 Genomes Project 30x 0.00016; 1000 Genomes Project 0.00020.
gnomAD v4.1: 29 of 1,573,996 alleles (0.0018%); highest among the groups gnomAD compares: South Asian, 0.016%; 1 homozygote.

Submissions (2):

PreventionGenetics, part of Exact Sciences
Classification: Likely benign for IFT140-related condition. Last evaluated: 2026-05-31. Review status: criteria provided, single submitter. Criteria: ACMG Guidelines, 2015. Collection method: clinical testing. Allele origin: germline.
Comment: This variant is classified as likely benign based on ACMG/AMP sequence variant interpretation guidelines (Richards et al. 2015 PMID: 25741868, with internal and published modifications).

Labcorp Genetics (formerly Invitae), Labcorp
Classification: Likely benign for Saldino-Mainzer syndrome. Last evaluated: 2023-09-22. Review status: criteria provided, single submitter. Criteria: Invitae Variant Classification Sherloc (09022015). Collection method: clinical testing. Allele origin: germline.